The following is an entry in ClinVar:

NM_152618.3(BBS12):c.1844C>A (p.Ala615Asp)

Gene: BBS12 (Bardet-Biedl syndrome 12; plus strand). Cytogenetic location: 4q27.
Variant type: single nucleotide variant.
Coding change: c.1844C>A on transcript NM_152618.3 (MANE Select); coding-DNA position 1844, C replaced by A.
Protein change: p.Ala615Asp; replaces alanine 615 with aspartic acid.
Molecular consequence: missense variant.
Genome position (GRCh38, 1-based): chr4:122,743,736, C>A. VCF-style: chr4-122743736-C-A. GRCh37 (hg19) VCF-style: chr4-123664891-C-A.
Other names: c.1844C>A, p.Ala615Asp (NM_001178007.2); short protein forms A615D.
Identifiers: ClinVar variation 850852 (VCV000850852.6), dbSNP rs17857451, ClinGen allele CA3069515.

ClinVar aggregate classification (germline): Uncertain significance. Review status: criteria provided, multiple submitters, no conflicts (2 of 4 stars). 3 submissions from 3 submitters: Uncertain significance (3). Last evaluated 2024-12-02.

Conditions:
BBS12-related disorder. Also called: BBS12-related condition.
Bardet-Biedl syndrome (BBS). Identifiers: Orphanet 110, MedGen C0752166, MONDO:0015229.

Allele frequency attached by ClinVar (database versions not stated): gnomAD exomes below 0.00001; TOPMed below 0.00001; gnomAD 0.00001; 1000 Genomes Project 0.00020; 1000 Genomes Project 30x 0.00031.

Submissions (3):

PreventionGenetics, part of Exact Sciences
Classification: Uncertain significance for BBS12-related condition. Last evaluated: 2024-12-02. Review status: criteria provided, single submitter. Criteria: ACMG Guidelines, 2015. Collection method: clinical testing. Allele origin: germline.
Comment: The BBS12 c.1844C>A variant is predicted to result in the amino acid substitution p.Ala615Asp. To our knowledge, this variant has not been reported in the literature. This variant is reported in 0.0029% of alleles in individuals of Latino descent in gnomAD. Although we suspect that this variant may be pathogenic, at this time, the clinical significance of this variant is uncertain due to the absence of conclusive functional and genetic evidence.

GeneDx
Classification: Uncertain significance. Last evaluated: 2024-08-15. Review status: criteria provided, single submitter. Criteria: GeneDx Variant Classification Process June 2021. Collection method: clinical testing. Allele origin: germline. Affected: yes.
Comment: Not observed at significant frequency in large population cohorts (gnomAD); In silico analysis supports that this missense variant has a deleterious effect on protein structure/function; Has not been previously published as pathogenic or benign to our knowledge

Labcorp Genetics (formerly Invitae), Labcorp
Classification: Uncertain significance for Bardet-Biedl syndrome. Last evaluated: 2022-08-09. Review status: criteria provided, single submitter. Criteria: Invitae Variant Classification Sherloc (09022015). Collection method: clinical testing. Allele origin: germline.
Comment: This sequence change replaces alanine, which is neutral and non-polar, with aspartic acid, which is acidic and polar, at codon 615 of the BBS12 protein (p.Ala615Asp). This variant is not present in population databases (gnomAD no frequency). This variant has not been reported in the literature in individuals affected with BBS12-related conditions. ClinVar contains an entry for this variant (Variation ID: 850852). Algorithms developed to predict the effect of missense changes on protein structure and function are either unavailable or do not agree on the potential impact of this missense change (SIFT: "Deleterious"; PolyPhen-2: "Probably Damaging"; Align-GVGD: "Class C0"). In summary, the available evidence is currently insufficient to determine the role of this variant in disease. Therefore, it has been classified as a Variant of Uncertain Significance.